The following is an entry in ClinVar:

ClinVar aggregate classification (germline): Uncertain significance (1 of 4 stars; one submission).

Submission:

Labcorp Genetics (formerly Invitae), Labcorp
Classification: Uncertain significance. Last evaluated: 2022-07-05. Review status: criteria provided, single submitter. Criteria: Invitae Variant Classification Sherloc (09022015). Collection method: clinical testing. Allele origin: germline.
Comment: This sequence change replaces asparagine, which is neutral and polar, with lysine, which is basic and polar, at codon 402 of the POLR3A protein (p.Asn402Lys). This variant is not present in population databases (gnomAD no frequency). In summary, the available evidence is currently insufficient to determine the role of this variant in disease. Therefore, it has been classified as a Variant of Uncertain Significance. Algorithms developed to predict the effect of missense changes on protein structure and function (SIFT, PolyPhen-2, Align-GVGD) all suggest that this variant is likely to be tolerated. This variant has not been reported in the literature in individuals affected with POLR3A-related conditions.

NM_007055.4(POLR3A):c.1206T>G (p.Asn402Lys)

Gene: POLR3A (RNA polymerase III subunit A; minus strand). Cytogenetic location: 10q22.3.
Variant type: single nucleotide variant.
Coding change: c.1206T>G on transcript NM_007055.4 (MANE Select); coding-DNA position 1206, T replaced by G.
Protein change: p.Asn402Lys; replaces asparagine 402 with lysine.
Molecular consequence: missense variant.
Genome position (GRCh38, 1-based): chr10:78,019,245, A>C on the plus strand (T>G on the coding strand, the complement: POLR3A is on the minus strand). VCF-style: chr10-78019245-A-C. GRCh37 (hg19) VCF-style: chr10-79779003-A-C.
Other names: short protein forms N402K.
Identifiers: ClinVar variation 2071767 (VCV002071767.4), dbSNP rs2493233272, ClinGen allele CA377343778.
Genomic context (GRCh38, chr10:78,019,245, plus strand): 5'-CTGAATGAAGTTTGCTCCTGGGTGAACCTCAGGGCCGTTTTGAACCAGTTTCCTCAAGAA[A>C]TTGATGTTTGCTTTGTTTACCTGCAGTACAAAAAAACCACAATAAGTTACTCCCAGGTAA-3'
Protein context (NP_008986.2, residues 392-412): FPEKVNKANI[Asn402Lys]FLRKLVQNGP